The following is an entry in ClinVar:

ClinVar aggregate classification (germline): Uncertain significance. Review status: criteria provided, multiple submitters, no conflicts (2 of 4 stars). 3 submissions from 3 submitters: Uncertain significance (3). Last evaluated 2026-06-15.

Conditions:
Aortic aneurysm, familial thoracic 8 (AAT8). Identifiers: MedGen C3809513, MONDO:0014187, OMIM 615436.
Familial thoracic aortic aneurysm and aortic dissection (TAAD). Also called: Thoracic aortic aneurysms and dissections. Identifiers: Orphanet 91387, MedGen C4707243, MONDO:0019625.

Allele frequency attached by ClinVar (database versions not stated): gnomAD 0.00001; TOPMed 0.00001.
gnomAD v4.1: 7 of 1,613,828 alleles (0.00043%); highest among the groups gnomAD compares: Admixed American, 0.012%; no homozygotes.

Submissions (3):

Ambry Genetics
Classification: Uncertain significance for Familial thoracic aortic aneurysm and aortic dissection. Last evaluated: 2026-06-15. Review status: criteria provided, single submitter. Criteria: Ambry Variant Classification Scheme 2023. Collection method: clinical testing. Allele origin: germline.
Comment: The p.A65E variant (also known as c.194C>A), located in coding exon 1 of the PRKG1 gene, results from a C to A substitution at nucleotide position 194. The alanine at codon 65 is replaced by glutamic acid, an amino acid with dissimilar properties. This amino acid position is conserved. In addition, this alteration is predicted to be tolerated by in silico analysis. Based on the available evidence, the clinical significance of this variant remains unclear.

GeneDx
Classification: Uncertain significance. Last evaluated: 2026-04-22. Review status: criteria provided, single submitter. Criteria: GeneDx Variant Classification Process June 2021. Collection method: clinical testing. Allele origin: germline.
Comment: Not observed at significant frequency in large population cohorts (gnomAD); In silico analysis suggests that this missense variant does not alter protein structure/function; Has not been previously published as pathogenic or benign to our knowledge

Labcorp Genetics (formerly Invitae), Labcorp
Classification: Uncertain significance for Aortic aneurysm, familial thoracic 8. Last evaluated: 2024-10-13. Review status: criteria provided, single submitter. Criteria: Invitae Variant Classification Sherloc (09022015). Collection method: clinical testing. Allele origin: germline.
Comment: This sequence change replaces alanine, which is neutral and non-polar, with glutamic acid, which is acidic and polar, at codon 65 of the PRKG1 protein (p.Ala65Glu). This variant is present in population databases (rs779345501, gnomAD 0.01%). This variant has not been reported in the literature in individuals affected with PRKG1-related conditions. An algorithm developed to predict the effect of missense changes on protein structure and function (PolyPhen-2) suggests that this variant is likely to be tolerated. In summary, the available evidence is currently insufficient to determine the role of this variant in disease. Therefore, it has been classified as a Variant of Uncertain Significance.

NM_006258.4(PRKG1):c.194C>A (p.Ala65Glu)

Gene: PRKG1 (protein kinase cGMP-dependent 1; plus strand). Cytogenetic location: 10q11.23.
Variant type: single nucleotide variant.
Coding change: c.194C>A on transcript NM_006258.4 (MANE Select); coding-DNA position 194, C replaced by A.
Protein change: p.Ala65Glu; replaces alanine 65 with glutamic acid.
Molecular consequence: missense variant. On other transcripts: intron variant (1).
Genome position (GRCh38, 1-based): chr10:51,074,784, C>A. VCF-style: chr10-51074784-C-A. GRCh37 (hg19) VCF-style: chr10-52834544-C-A.
Other names: c.194C>A, p.Ala65Glu (NM_001374782.1); c.267-78380C>A (NM_001098512.3); c.194C>A (NM_006258.3); short protein forms A65E.
Identifiers: ClinVar variation 2722149 (VCV002722149.4), dbSNP rs779345501, ClinGen allele CA5503076.